The following is an entry in ClinVar:

ClinVar aggregate classification (germline): Uncertain significance (1 of 4 stars; one submission).

gnomAD v4.1: 1 of 1,599,530 alleles (0.000063%); no homozygotes.

Submission:

Labcorp Genetics (formerly Invitae), Labcorp
Classification: Uncertain significance. Last evaluated: 2023-11-04. Review status: criteria provided, single submitter. Criteria: Invitae Variant Classification Sherloc (09022015). Collection method: clinical testing. Allele origin: germline.
Comment: This sequence change replaces aspartic acid, which is acidic and polar, with asparagine, which is neutral and polar, at codon 1321 of the VCAN protein (p.Asp1321Asn). This variant is not present in population databases (gnomAD no frequency). This variant has not been reported in the literature in individuals affected with VCAN-related conditions. ClinVar contains an entry for this variant (Variation ID: 1430407). An algorithm developed to predict the effect of missense changes on protein structure and function (PolyPhen-2) suggests that this variant is likely to be disruptive. In summary, the available evidence is currently insufficient to determine the role of this variant in disease. Therefore, it has been classified as a Variant of Uncertain Significance.

NM_004385.5(VCAN):c.3961G>A (p.Asp1321Asn)

Gene: VCAN (versican; plus strand). Cytogenetic location: 5q14.3.
Variant type: single nucleotide variant.
Coding change: c.3961G>A on transcript NM_004385.5 (MANE Select); coding-DNA position 3961, G replaced by A.
Protein change: p.Asp1321Asn; replaces aspartic acid 1321 with asparagine.
Molecular consequence: missense variant. On other transcripts: intron variant (2).
Genome position (GRCh38, 1-based): chr5:83,522,267, G>A. VCF-style: chr5-83522267-G-A. GRCh37 (hg19) VCF-style: chr5-82818086-G-A.
Other names: c.1042+9871G>A (NM_001164097.2, NM_001126336.3); c.3961G>A, p.Asp1321Asn (NM_001164098.2); short protein forms D1321N.
Identifiers: ClinVar variation 1430407 (VCV001430407.8), dbSNP rs2112413909, ClinGen allele CA360307180.
Genomic context (GRCh38, chr5:83,522,267, plus strand): 5'-GCCTTTGGACCTCAGGCGCTTTCTACGCCACAGCCCCCAGCAAGCACAAAATTTCACCCT[G>A]ACATTAATGTTTATATTATTGAGGTCAGAGAAAATAAGACAGGTAAGTCTTTGCTTTCTA-3'
Protein context (NP_004376.2, residues 1311-1331): QPPASTKFHP[Asp1321Asn]INVYIIEVRE